The following is an entry in ClinVar:

NM_001005373.4(LRSAM1):c.436G>A (p.Val146Met)

Gene: LRSAM1 (leucine rich repeat and sterile alpha motif containing 1; plus strand). Cytogenetic location: 9q33.3.
Variant type: single nucleotide variant.
Coding change: c.436G>A on transcript NM_001005373.4 (MANE Select); coding-DNA position 436, G replaced by A.
Protein change: p.Val146Met; replaces valine 146 with methionine.
Molecular consequence: missense variant. On other transcripts: 5 prime UTR variant (1), non-coding transcript variant (2).
Genome position (GRCh38, 1-based): chr9:127,462,281, G>A. VCF-style: chr9-127462281-G-A. GRCh37 (hg19) VCF-style: chr9-130224560-G-A.
Other names: c.436G>A, p.Val146Met (NM_001005374.4, NM_001190723.3, NM_001384142.1 and 2 more transcripts); c.-349G>A (NM_001384144.1); c.436G>A (NM_138361.4); short protein forms V146M.
Identifiers: ClinVar variation 1013966 (VCV001013966.14), dbSNP rs555377969, ClinGen allele CA5246551.

ClinVar aggregate classification (germline): Uncertain significance. Review status: criteria provided, multiple submitters, no conflicts (2 of 4 stars). 3 submissions from 3 submitters: Uncertain significance (3). Last evaluated 2024-12-31.

Conditions:
Inborn genetic diseases. Identifiers: MedGen C0950123, MeSH D030342.
Charcot-Marie-Tooth disease axonal type 2P. Also called: CHARCOT-MARIE-TOOTH NEUROPATHY, TYPE 2P; CHARCOT-MARIE-TOOTH DISEASE, AXONAL, TYPE 2G; CMT 2G; Charcot-Marie-Tooth Neuropathy Type 2G. Identifiers: Orphanet 300319, Orphanet 99941, MedGen C3280797, MONDO:0013753, OMIM 614436.

Allele frequency attached by ClinVar (database versions not stated): gnomAD exomes 0.00001 and 0.00003; ExAC 0.00004; gnomAD 0.00006 and 0.00007; TOPMed 0.00007; 1000 Genomes Project 30x 0.00016; 1000 Genomes Project 0.00020.
gnomAD v4.1: 25 of 1,614,104 alleles (0.0015%); highest among the groups gnomAD compares: African/African-American, 0.016%; no homozygotes.

Submissions (3):

Ambry Genetics
Classification: Uncertain significance for Inborn genetic diseases. Last evaluated: 2024-12-31. Review status: criteria provided, single submitter. Criteria: Ambry Variant Classification Scheme 2023. Collection method: clinical testing. Allele origin: germline.

Labcorp Genetics (formerly Invitae), Labcorp
Classification: Uncertain significance for Charcot-Marie-Tooth disease axonal type 2P. Last evaluated: 2024-08-04. Review status: criteria provided, single submitter. Criteria: Invitae Variant Classification Sherloc (09022015). Collection method: clinical testing. Allele origin: germline.
Comment: This sequence change replaces valine, which is neutral and non-polar, with methionine, which is neutral and non-polar, at codon 146 of the LRSAM1 protein (p.Val146Met). This variant is present in population databases (rs555377969, gnomAD 0.03%). This variant has not been reported in the literature in individuals affected with LRSAM1-related conditions. ClinVar contains an entry for this variant (Variation ID: 1013966). Advanced modeling of protein sequence and biophysical properties (such as structural, functional, and spatial information, amino acid conservation, physicochemical variation, residue mobility, and thermodynamic stability) performed at Invitae indicates that this missense variant is not expected to disrupt LRSAM1 protein function with a negative predictive value of 80%. In summary, the available evidence is currently insufficient to determine the role of this variant in disease. Therefore, it has been classified as a Variant of Uncertain Significance.

Mayo Clinic Laboratories, Mayo Clinic
Classification: Uncertain significance. Last evaluated: 2019-09-16. Review status: criteria provided, single submitter. Criteria: ACMG Guidelines, 2015. Collection method: clinical testing. Allele origin: germline. Observed: 1 variant allele.